The following is an entry in ClinVar:

NM_198252.3(GSN):c.1927G>A (p.Ala643Thr)

Gene: GSN (gelsolin; plus strand). Cytogenetic location: 9q33.2.
Variant type: single nucleotide variant.
Coding change: c.1927G>A on transcript NM_198252.3 (MANE Select); coding-DNA position 1927, G replaced by A.
Protein change: p.Ala643Thr; replaces alanine 643 with threonine.
Molecular consequence: missense variant.
Genome position (GRCh38, 1-based): chr9:121,329,277, G>A. VCF-style: chr9-121329277-G-A. GRCh37 (hg19) VCF-style: chr9-124091555-G-A.
Other names: c.1927G>A, p.Ala643Thr (NM_001353056.2, NM_001353057.2, NM_001353058.2 and 10 more transcripts); c.1960G>A, p.Ala654Thr (NM_001353073.2, NM_001353074.2, NM_001353075.1 and 13 more transcripts); c.1999G>A, p.Ala667Thr (NM_001353076.2); c.1273G>A, p.Ala425Thr (NM_001353078.2); c.2080G>A, p.Ala694Thr (NM_000177.5); c.2035G>A, p.Ala679Thr (NM_001127663.2); c.1978G>A, p.Ala660Thr (NM_001258029.2); c.1951G>A, p.Ala651Thr (NM_001258030.2); short protein forms A643T, A654T, A660T, A694T, A651T, A667T, A679T, A425T.
Identifiers: ClinVar variation 3658989 (VCV003658989.2).

ClinVar aggregate classification (germline): Uncertain significance (1 of 4 stars; one submission).

gnomAD v4.1: 12 of 1,612,358 alleles (0.00074%); highest among the groups gnomAD compares: Non-Finnish European, 0.00093%; no homozygotes.

Submission:

Labcorp Genetics (formerly Invitae), Labcorp
Classification: Uncertain significance. Last evaluated: 2024-11-19. Review status: criteria provided, single submitter. Criteria: Invitae Variant Classification Sherloc (09022015). Collection method: clinical testing. Allele origin: germline.
Comment: This sequence change replaces alanine, which is neutral and non-polar, with threonine, which is neutral and polar, at codon 694 of the GSN protein (p.Ala694Thr). This variant is present in population databases (rs754692493, gnomAD 0.0009%). This variant has not been reported in the literature in individuals affected with GSN-related conditions. Invitae Evidence Modeling of protein sequence and biophysical properties (such as structural, functional, and spatial information, amino acid conservation, physicochemical variation, residue mobility, and thermodynamic stability) has been performed for this missense variant. However, the output from this modeling did not meet the statistical confidence thresholds required to predict the impact of this variant on GSN protein function. In summary, the available evidence is currently insufficient to determine the role of this variant in disease. Therefore, it has been classified as a Variant of Uncertain Significance.